The following is an entry in ClinVar:

NM_001039213.4(CEACAM16):c.28C>T (p.Leu10Phe)

Genes: CEACAM16 (CEA cell adhesion molecule 16, tectorial membrane component; plus strand), CEACAM16-AS1 (CEACAM16, CEACAM19 and PVR antisense RNA 1; minus strand). Cytogenetic location: 19q13.32.
Variant type: single nucleotide variant.
Coding change: c.28C>T on transcript NM_001039213.4 (MANE Select); coding-DNA position 28, C replaced by T.
Protein change: p.Leu10Phe; replaces leucine 10 with phenylalanine.
Molecular consequence: missense variant.
Genome position (GRCh38, 1-based): chr19:44,701,484, C>T. VCF-style: chr19-44701484-C-T. GRCh37 (hg19) VCF-style: chr19-45204754-C-T.
Other names: short protein forms L10F.
Identifiers: ClinVar variation 4540031 (VCV004540031.1).

ClinVar aggregate classification (germline): Uncertain significance (1 of 4 stars; one submission).

Submission:

GeneDx
Classification: Uncertain significance. Last evaluated: 2025-06-24. Review status: criteria provided, single submitter. Criteria: GeneDx Variant Classification Process June 2021. Collection method: clinical testing. Allele origin: germline. Affected: yes.
Comment: Not observed at significant frequency in large population cohorts (gnomAD); In silico analysis supports that this missense variant has a deleterious effect on protein structure/function; Has not been previously published as pathogenic or benign to our knowledge